The following is an entry in ClinVar:

NM_000168.6(GLI3):c.4021G>T (p.Gly1341Cys)

Gene: GLI3 (GLI family zinc finger 3; minus strand). Cytogenetic location: 7p14.1.
Variant type: single nucleotide variant.
Coding change: c.4021G>T on transcript NM_000168.6 (MANE Select); coding-DNA position 4021, G replaced by T.
Protein change: p.Gly1341Cys; replaces glycine 1341 with cysteine.
Molecular consequence: missense variant.
Genome position (GRCh38, 1-based): chr7:41,965,052, C>A on the plus strand (G>T on the coding strand, the complement: GLI3 is on the minus strand). VCF-style: chr7-41965052-C-A. GRCh37 (hg19) VCF-style: chr7-42004650-C-A.
Other names: short protein forms G1341C.
Identifiers: ClinVar variation 3761475 (VCV003761475.2).

ClinVar aggregate classification (germline): Uncertain significance (1 of 4 stars; one submission).

Conditions:
Pallister-Hall syndrome (PHS). Also called: HYPOTHALAMIC HAMARTOBLASTOMA, HYPOPITUITARISM, IMPERFORATE ANUS, AND POSTAXIAL POLYDACTYLY; GLI3-Related Pallister-Hall Syndrome. Identifiers: Orphanet 672, MedGen C0265220, MONDO:0007804, OMIM 146510.
Greig cephalopolysyndactyly syndrome (GCPS). Also called: GLI3-Related Greig Cephalopolysyndactyly Syndrome; POLYSYNDACTYLY WITH PECULIAR SKULL SHAPE; Greig syndrome. Identifiers: Orphanet 380, MedGen C0265306, MONDO:0008287, OMIM 175700.

Submission:

Labcorp Genetics (formerly Invitae), Labcorp
Classification: Uncertain significance for Pallister-Hall syndrome; Greig cephalopolysyndactyly syndrome. Last evaluated: 2024-05-08. Review status: criteria provided, single submitter. Criteria: Invitae Variant Classification Sherloc (09022015). Collection method: clinical testing. Allele origin: germline.
Comment: This sequence change replaces glycine, which is neutral and non-polar, with cysteine, which is neutral and slightly polar, at codon 1341 of the GLI3 protein (p.Gly1341Cys). This variant is not present in population databases (gnomAD no frequency). This variant has not been reported in the literature in individuals affected with GLI3-related conditions. An algorithm developed to predict the effect of missense changes on protein structure and function (PolyPhen-2) suggests that this variant is likely to be disruptive. In summary, the available evidence is currently insufficient to determine the role of this variant in disease. Therefore, it has been classified as a Variant of Uncertain Significance.